The following is an entry in ClinVar:

NM_001606.5(ABCA2):c.3144C>T (p.Ser1048=)

Gene: ABCA2 (ATP binding cassette subfamily A member 2; minus strand). Cytogenetic location: 9q34.3.
Variant type: single nucleotide variant.
Coding change: c.3144C>T on transcript NM_001606.5 (MANE Select); coding-DNA position 3144, C replaced by T.
Protein change: p.Ser1048=; no amino-acid change (serine 1048 retained).
Molecular consequence: synonymous variant.
Genome position (GRCh38, 1-based): chr9:137,016,135, G>A on the plus strand (C>T on the coding strand, the complement: ABCA2 is on the minus strand). VCF-style: chr9-137016135-G-A. GRCh37 (hg19) VCF-style: chr9-139910587-G-A.
Other names: c.3141C>T, p.Ser1047= (NM_001411042.1); c.3234C>T, p.Ser1078= (NM_212533.3).
Identifiers: ClinVar variation 3057482 (VCV003057482.2), dbSNP rs775254549, ClinGen allele CA5354858.

ClinVar aggregate classification (germline): Likely benign (0 of 4 stars; one submission).

Conditions:
ABCA2-related disorder. Also called: ABCA2-related condition.

Allele frequency attached by ClinVar (database versions not stated): gnomAD exomes 0.00001; ExAC 0.00004; TOPMed 0.00006; gnomAD 0.00007.
gnomAD v4.1: 33 of 1,612,716 alleles (0.002%); highest among the groups gnomAD compares: African/African-American, 0.016%; no homozygotes.

Submission:

PreventionGenetics, part of Exact Sciences
Classification: Likely benign for ABCA2-related condition. Last evaluated: 2019-03-12. Review status: no assertion criteria provided. Collection method: clinical testing. Allele origin: germline.
Comment: This variant is classified as likely benign based on ACMG/AMP sequence variant interpretation guidelines (Richards et al. 2015 PMID: 25741868, with internal and published modifications).